The following is an entry in ClinVar:

ClinVar aggregate classification (germline): Uncertain significance (1 of 4 stars; one submission).

Conditions:
Emery-Dreifuss muscular dystrophy 5, autosomal dominant (EDMD5). Also called: EMERY-DREIFUSS MUSCULAR DYSTROPHY 5. Identifiers: Orphanet 261, MedGen C2751805, MONDO:0013072, OMIM 612999.

Submission:

Labcorp Genetics (formerly Invitae), Labcorp
Classification: Uncertain significance for Emery-Dreifuss muscular dystrophy 5, autosomal dominant. Last evaluated: 2022-07-01. Review status: criteria provided, single submitter. Criteria: Invitae Variant Classification Sherloc (09022015). Collection method: clinical testing. Allele origin: germline.
Comment: In summary, the available evidence is currently insufficient to determine the role of this variant in disease. Therefore, it has been classified as a Variant of Uncertain Significance. Algorithms developed to predict the effect of missense changes on protein structure and function (SIFT, PolyPhen-2, Align-GVGD) all suggest that this variant is likely to be tolerated. This variant has not been reported in the literature in individuals affected with SYNE2-related conditions. This variant is not present in population databases (gnomAD no frequency). This sequence change replaces proline, which is neutral and non-polar, with alanine, which is neutral and non-polar, at codon 4554 of the SYNE2 protein (p.Pro4554Ala).

NM_182914.3(SYNE2):c.13660C>G (p.Pro4554Ala)

Gene: SYNE2 (spectrin repeat containing nuclear envelope protein 2; plus strand). Cytogenetic location: 14q23.2.
Variant type: single nucleotide variant.
Coding change: c.13660C>G on transcript NM_182914.3 (MANE Select); coding-DNA position 13660, C replaced by G.
Protein change: p.Pro4554Ala; replaces proline 4554 with alanine.
Molecular consequence: missense variant.
Genome position (GRCh38, 1-based): chr14:64,126,432, C>G. VCF-style: chr14-64126432-C-G. GRCh37 (hg19) VCF-style: chr14-64593150-C-G.
Other names: c.13660C>G, p.Pro4554Ala (NM_015180.6); short protein forms P4554A.
Identifiers: ClinVar variation 2012984 (VCV002012984.4), dbSNP rs2097945927, ClinGen allele CA389970561.
Genomic context (GRCh38, chr14:64,126,432, plus strand): 5'-TTTGAACTATTCCTGACCCTCAGTCAGTGCCTCAGCAGTGTGGAGGAGATGCTGGAGATG[C>G]CCAGACTTTACAGGGAGGATGGTTCTGGCCAGCAGGTGCACTACGAGGTAGGGCACTTCT-3'
Protein context (NP_878918.2, residues 4544-4564): LSSVEEMLEM[Pro4554Ala]RLYREDGSGQ